The following is an entry in ClinVar:

NM_000260.4(MYO7A):c.1976C>A (p.Ser659Ter)

Gene: MYO7A (myosin VIIA; plus strand). Cytogenetic location: 11q13.5.
Variant type: single nucleotide variant.
Coding change: c.1976C>A on transcript NM_000260.4 (MANE Select); coding-DNA position 1976, C replaced by A.
Protein change: p.Ser659Ter; replaces serine 659 with a stop codon.
Molecular consequence: nonsense.
Genome position (GRCh38, 1-based): chr11:77,174,796, C>A. VCF-style: chr11-77174796-C-A. GRCh37 (hg19) VCF-style: chr11-76885842-C-A.
Other names: c.1976C>A, p.Ser659Ter (NM_001127180.2); c.1943C>A, p.Ser648Ter (NM_001369365.1); short protein forms S659*, S648*.
Identifiers: ClinVar variation 236487 (VCV000236487.5), dbSNP rs878853378, ClinGen allele CA10581681.
Genomic context (GRCh38, chr11:77,174,796, plus strand): 5'-CTTGGCTGTGTGCCTGGCAGCTGTTCGACCGGCACCTGTGCGTGCGCCAGCTGCGGTACT[C>A]AGGAATGATGGAGACCATCCGAATCCGCCGAGCTGGCTACCCCATCCGCTACAGCTTCGT-3'

ClinVar aggregate classification (germline): Pathogenic. Review status: criteria provided, multiple submitters, no conflicts (2 of 4 stars). 4 submissions from 4 submitters: Pathogenic (3). 1 of the submissions does not count toward it. Last evaluated 2024-04-15.

Conditions:
Usher syndrome type 1 (USH1). Also called: RETINITIS PIGMENTOSA AND CONGENITAL DEAFNESS. Identifiers: Orphanet 231169, Orphanet 886, MedGen C1568247, MONDO:0010168, OMIM 276900.
Retinal dystrophy. Also called: Inherited retinal dystrophy. Identifiers: Orphanet 71862, MedGen C0854723, MeSH D058499, MONDO:0019118, HP:0000556.
Usher syndrome type 1B (USH1B). Also called: Usher syndrome type IB. Identifiers: MedGen C1848638, MONDO:0700087.

Allele frequency attached by ClinVar (database versions not stated): gnomAD exomes below 0.00001.
gnomAD v4.1: 1 of 1,610,698 alleles (0.000062%); highest among the groups gnomAD compares: Non-Finnish European, 0.000085%; no homozygotes.

Submissions (4):

Natera, Inc.
Classification: Pathogenic for Usher syndrome type 1B. Last evaluated: 2024-04-15. Review status: criteria provided, single submitter. Criteria: Natera Variant Classification Schema (03/2026). Collection method: clinical testing. Allele origin: germline.
Comment: The c.1976C>A variant in MYO7A is a nonsense variant predicted to introduce a stop codon at amino acid 659. This variant is expected to result in nonsense mediated decay, truncation, or a dysfunctional protein product. This variant is rare in the general population with a frequency below the threshold expected for the associated phenotype(s). This variant has been observed in one or more individuals affected with the associated recessive disease, as either homozygous or compound heterozygous with a second variant (PMID: 31816670). Given the available evidence, this variant is classified as Pathogenic.

Labcorp Genetics (formerly Invitae), Labcorp
Classification: Pathogenic. Last evaluated: 2023-11-19. Review status: criteria provided, single submitter. Criteria: Invitae Variant Classification Sherloc (09022015). Collection method: clinical testing. Allele origin: germline.
Comment: This sequence change creates a premature translational stop signal (p.Ser659*) in the MYO7A gene. It is expected to result in an absent or disrupted protein product. Loss-of-function variants in MYO7A are known to be pathogenic (PMID: 8900236, 25404053). This variant is present in population databases (no rsID available, gnomAD 0.0009%). This premature translational stop signal has been observed in individual(s) with inherited retinal disease (PMID: 27208204, 31816670). ClinVar contains an entry for this variant (Variation ID: 236487). For these reasons, this variant has been classified as Pathogenic.

Molecular Diagnostics Laboratory, M Health Fairview: University of Minnesota
Classification: Pathogenic for Usher syndrome type 1. Last evaluated: 2017-02-01. Review status: criteria provided, single submitter. Criteria: ACMG Guidelines, 2015. Collection method: clinical testing. Allele origin: germline. Affected: yes. Observed: 1 variant allele.

Centre for Genomic Medicine, Manchester, Central Manchester University Hospitals
Classification: Likely pathogenic for Retinal dystrophy. Review status: no assertion criteria provided. Collection method: clinical testing. Allele origin: germline. Affected: yes. Not counted in ClinVar's aggregate classification.

Literature cited by the submitters: PubMed 31816670 (cited by Natera, Inc. and Labcorp Genetics (formerly Invitae), Labcorp); PubMed 8900236 (cited by Labcorp Genetics (formerly Invitae), Labcorp); PubMed 25404053 (cited by Labcorp Genetics (formerly Invitae), Labcorp); PubMed 27208204 (cited by Labcorp Genetics (formerly Invitae), Labcorp).